The following is an entry in ClinVar:

ClinVar aggregate classification (germline): Uncertain significance (1 of 4 stars; one submission).

Conditions:
Congenital myasthenic syndrome 2A. Also called: Myasthenic syndrome, congenital, 2a, slow-channel. Identifiers: Orphanet 590, MedGen C4225374, MONDO:0014581, OMIM 616313.

Submission:

Labcorp Genetics (formerly Invitae), Labcorp
Classification: Uncertain significance for Congenital myasthenic syndrome 2A. Last evaluated: 2024-03-04. Review status: criteria provided, single submitter. Criteria: Invitae Variant Classification Sherloc (09022015). Collection method: clinical testing. Allele origin: germline.
Comment: This sequence change replaces glycine, which is neutral and non-polar, with arginine, which is basic and polar, at codon 121 of the CHRNB1 protein (p.Gly121Arg). This variant is not present in population databases (gnomAD no frequency). This variant has not been reported in the literature in individuals affected with CHRNB1-related conditions. ClinVar contains an entry for this variant (Variation ID: 1385564). Advanced modeling of protein sequence and biophysical properties (such as structural, functional, and spatial information, amino acid conservation, physicochemical variation, residue mobility, and thermodynamic stability) has been performed at Invitae for this missense variant, however the output from this modeling did not meet the statistical confidence thresholds required to predict the impact of this variant on CHRNB1 protein function. In summary, the available evidence is currently insufficient to determine the role of this variant in disease. Therefore, it has been classified as a Variant of Uncertain Significance.

NM_000747.3(CHRNB1):c.361G>C (p.Gly121Arg)

Gene: CHRNB1 (cholinergic receptor nicotinic beta 1 subunit; plus strand). Cytogenetic location: 17p13.1.
Variant type: single nucleotide variant.
Coding change: c.361G>C on transcript NM_000747.3 (MANE Select); coding-DNA position 361, G replaced by C.
Protein change: p.Gly121Arg; replaces glycine 121 with arginine.
Molecular consequence: missense variant.
Genome position (GRCh38, 1-based): chr17:7,447,050, G>C. VCF-style: chr17-7447050-G-C. GRCh37 (hg19) VCF-style: chr17-7350369-G-C.
Other names: short protein forms G121R.
Identifiers: ClinVar variation 1385564 (VCV001385564.8), dbSNP rs1908667282, ClinGen allele CA397791056.